The following is an entry in ClinVar:

NM_001161748.2(LIM2):c.440T>C (p.Val147Ala)

Gene: LIM2 (lens intrinsic membrane protein 2; minus strand). Cytogenetic location: 19q13.41.
Variant type: single nucleotide variant.
Coding change: c.440T>C on transcript NM_001161748.2 (MANE Select); coding-DNA position 440, T replaced by C.
Protein change: p.Val147Ala; replaces valine 147 with alanine.
Molecular consequence: missense variant.
Genome position (GRCh38, 1-based): chr19:51,380,525, A>G on the plus strand (T>C on the coding strand, the complement: LIM2 is on the minus strand). VCF-style: chr19-51380525-A-G. GRCh37 (hg19) VCF-style: chr19-51883779-A-G.
Other names: c.566T>C, p.Val189Ala (NM_030657.4); short protein forms V147A, V189A.
Identifiers: ClinVar variation 2516804 (VCV002516804.5), dbSNP rs143515134, ClinGen allele CA9611478.
Genomic context (GRCh38, chr19:51,380,525, plus strand): 5'-TGCCCCAGGCACTGACCTTCCCACCCCTTGCCCCCAGTACCTGCGAAGAACGTCATGAGC[A>G]CTGCCACCCAGCCCAGGATGTAGGACCAGGAAAAGCGCCAGTCCCCAAAGCGGCGGCCCA-3'
Protein context (NP_001155220.1, residues 137-157): SWSYILGWVA[Val147Ala]LMTFFAGIFY

ClinVar aggregate classification (germline): Uncertain significance. Review status: criteria provided, multiple submitters, no conflicts (2 of 4 stars). 2 submissions from 2 submitters: Uncertain significance (2). Last evaluated 2023-05-23.

Conditions:
Inborn genetic diseases. Identifiers: MedGen C0950123, MeSH D030342.
Cataract 19 multiple types. Also called: CATARACT 19, CORTICAL PULVERULENT; CATARACT 19, CONGENITAL TOTAL. Identifiers: Orphanet 91492, MedGen C3809004, MONDO:0014111, OMIM 615277.

Allele frequency attached by ClinVar (database versions not stated): ExAC 0.00002; gnomAD 0.00003; TOPMed 0.00004; gnomAD exomes 0.00008; ESP Exome Variant Server 0.00015.

Submissions (2):

Ambry Genetics
Classification: Uncertain significance for Inborn genetic diseases. Last evaluated: 2023-05-23. Review status: criteria provided, single submitter. Criteria: Ambry Variant Classification Scheme 2023. Collection method: clinical testing. Allele origin: germline.

Labcorp Genetics (formerly Invitae), Labcorp
Classification: Uncertain significance for Cataract 19 multiple types. Last evaluated: 2023-05-17. Review status: criteria provided, single submitter. Criteria: Invitae Variant Classification Sherloc (09022015). Collection method: clinical testing. Allele origin: germline.
Comment: In summary, the available evidence is currently insufficient to determine the role of this variant in disease. Therefore, it has been classified as a Variant of Uncertain Significance. An algorithm developed to predict the effect of missense changes on protein structure and function (PolyPhen-2) suggests that this variant is likely to be tolerated. This variant has not been reported in the literature in individuals affected with LIM2-related conditions. This variant is present in population databases (rs143515134, gnomAD 0.006%). This sequence change replaces valine, which is neutral and non-polar, with alanine, which is neutral and non-polar, at codon 189 of the LIM2 protein (p.Val189Ala).